The following is an entry in ClinVar:

NM_001042492.3(NF1):c.4371A>C (p.Lys1457Asn)

Gene: NF1 (neurofibromin 1; plus strand). Cytogenetic location: 17q11.2.
Variant type: single nucleotide variant.
Coding change: c.4371A>C on transcript NM_001042492.3 (MANE Select); coding-DNA position 4371, A replaced by C.
Protein change: p.Lys1457Asn; replaces lysine 1457 with asparagine.
Molecular consequence: missense variant.
Genome position (GRCh38, 1-based): chr17:31,259,070, A>C. VCF-style: chr17-31259070-A-C. GRCh37 (hg19) VCF-style: chr17-29586088-A-C.
Other names: c.4308A>C, p.Lys1436Asn (NM_000267.4); short protein forms K1457N, K1436N.
Identifiers: ClinVar variation 527586 (VCV000527586.5), dbSNP rs1555618658, ClinGen allele CA398998807.

ClinVar aggregate classification (germline): Pathogenic (1 of 4 stars; one submission).

Conditions:
Neurofibromatosis, type 1 (NF1). Also called: VON RECKLINGHAUSEN DISEASE; NEUROFIBROMATOSIS, TYPE I, SOMATIC; Peripheral type neurofibromatosis; Neurofibromatosis, type I. Identifiers: Orphanet 636, MedGen C0027831, MONDO:0018975, OMIM 162200. Disease mechanism: loss of function.

Submission:

Labcorp Genetics (formerly Invitae), Labcorp
Classification: Pathogenic for Neurofibromatosis, type 1. Last evaluated: 2023-07-14. Review status: criteria provided, single submitter. Criteria: Invitae Variant Classification Sherloc (09022015). Collection method: clinical testing. Allele origin: germline.
Comment: For these reasons, this variant has been classified as Pathogenic. This variant disrupts the p.Lys1436 amino acid residue in NF1. Other variant(s) that disrupt this residue have been determined to be pathogenic (PMID: 21354044, 23913538, 24789688). This suggests that this residue is clinically significant, and that variants that disrupt this residue are likely to be disease-causing. Advanced modeling of protein sequence and biophysical properties (such as structural, functional, and spatial information, amino acid conservation, physicochemical variation, residue mobility, and thermodynamic stability) performed at Invitae indicates that this missense variant is expected to disrupt NF1 protein function. ClinVar contains an entry for this variant (Variation ID: 527586). This missense change has been observed in individual(s) with neurofibromatosis type 1 (Invitae). This variant is not present in population databases (gnomAD no frequency). This sequence change replaces lysine, which is basic and polar, with asparagine, which is neutral and polar, at codon 1436 of the NF1 protein (p.Lys1436Asn).

Literature cited by the submitters: PubMed 21354044; PubMed 23913538; PubMed 24789688.